The following is an entry in ClinVar:

ClinVar aggregate classification (germline): Uncertain significance (1 of 4 stars; one submission).

Conditions:
Developmental and epileptic encephalopathy. Identifiers: MedGen C5779964, MONDO:0100620.

Allele frequency attached by ClinVar (database versions not stated): TOPMed below 0.00001; gnomAD 0.00001; ExAC 0.00002; 1000 Genomes Project 30x 0.00016; 1000 Genomes Project 0.00020.
gnomAD v4.1: 17 of 1,613,182 alleles (0.0011%); highest among the groups gnomAD compares: South Asian, 0.014%; no homozygotes.

Submission:

Labcorp Genetics (formerly Invitae), Labcorp
Classification: Uncertain significance for Early-infantile DEE. Last evaluated: 2022-07-26. Review status: criteria provided, single submitter. Criteria: Invitae Variant Classification Sherloc (09022015). Collection method: clinical testing. Allele origin: germline.
Comment: This sequence change replaces glycine, which is neutral and non-polar, with valine, which is neutral and non-polar, at codon 512 of the CACNA2D2 protein (p.Gly512Val). This variant is present in population databases (rs587623782, gnomAD 0.02%). This variant has not been reported in the literature in individuals affected with CACNA2D2-related conditions. Algorithms developed to predict the effect of missense changes on protein structure and function are either unavailable or do not agree on the potential impact of this missense change (SIFT: "Deleterious"; PolyPhen-2: "Benign"; Align-GVGD: "Class C0"). In summary, the available evidence is currently insufficient to determine the role of this variant in disease. Therefore, it has been classified as a Variant of Uncertain Significance.

NM_006030.4(CACNA2D2):c.1535G>T (p.Gly512Val)

Gene: CACNA2D2 (calcium voltage-gated channel auxiliary subunit alpha2delta 2; minus strand). Cytogenetic location: 3p21.31.
Variant type: single nucleotide variant.
Coding change: c.1535G>T on transcript NM_006030.4 (MANE Select); coding-DNA position 1535, G replaced by T.
Protein change: p.Gly512Val; replaces glycine 512 with valine.
Molecular consequence: missense variant.
Genome position (GRCh38, 1-based): chr3:50,377,748, C>A on the plus strand (G>T on the coding strand, the complement: CACNA2D2 is on the minus strand). VCF-style: chr3-50377748-C-A. GRCh37 (hg19) VCF-style: chr3-50415179-C-A.
Other names: c.1535G>T, p.Gly512Val (NM_001005505.3, NM_001174051.3, NM_001410768.1); c.1328G>T, p.Gly443Val (NM_001291101.1); short protein forms G512V, G443V.
Identifiers: ClinVar variation 2048080 (VCV002048080.1), dbSNP rs587623782, ClinGen allele CA2418832.